The following is an entry in ClinVar:

ClinVar aggregate classification (germline): Conflicting classifications of pathogenicity. Review status: criteria provided, conflicting classifications (1 of 4 stars). 6 submissions from 5 submitters: Uncertain significance (3); Likely benign (3). Last evaluated 2026-07-01.

Conditions:
Joubert syndrome 9 (JBTS9). Identifiers: Orphanet 2318, MedGen C2676788, MONDO:0012849, OMIM 612285.
Joubert syndrome. Also called: Familial aplasia of the vermis; JOUBERT-BOLTSHAUSER SYNDROME. Identifiers: Orphanet 475, MedGen C5979921, MONDO:0018772.
Meckel-Gruber syndrome. Also called: Dysencephalia splachnocystica; DYSENCEPHALIA SPLANCHNOCYSTICA; GRUBER SYNDROME. Identifiers: Orphanet 564, MedGen C0265215, MONDO:0018921.
Meckel syndrome, type 6. Identifiers: Orphanet 564, MedGen C2676790, MONDO:0012848, OMIM 612284.

Allele frequency attached by ClinVar (database versions not stated): TOPMed 0.00029; gnomAD 0.00031 and 0.00034; gnomAD exomes 0.00031 and 0.00043; ExAC 0.00039; ESP Exome Variant Server 0.00072.
gnomAD v4.1: 674 of 1,610,150 alleles (0.042%); highest among the groups gnomAD compares: Non-Finnish European, 0.053%; no homozygotes.

Submissions (6):

CeGaT Center for Human Genetics Tuebingen
Classification: Likely benign. Last evaluated: 2026-07-01. Review status: criteria provided, single submitter. Criteria: CeGaT Center For Human Genetics Tuebingen Variant Classification Criteria Version 2. Collection method: clinical testing. Allele origin: germline. Affected: yes. Observed: 5 variant alleles.
Comment: CC2D2A: BP4, BP7

Labcorp Genetics (formerly Invitae), Labcorp
Classification: Likely benign for Joubert syndrome; Meckel-Gruber syndrome. Last evaluated: 2026-01-31. Review status: criteria provided, single submitter. Criteria: Invitae Variant Classification Sherloc (09022015). Collection method: clinical testing. Allele origin: germline.

Blueprint Genetics
Classification: Likely benign. Last evaluated: 2024-10-04. Review status: criteria provided, single submitter. Criteria: ACMG Guidelines, 2015. Collection method: clinical testing. Allele origin: germline.

Illumina Laboratory Services, Illumina
Classification: Uncertain significance for Meckel syndrome, type 6. Last evaluated: 2018-01-13. Review status: criteria provided, single submitter. Criteria: ICSL Variant Classification Criteria 13 December 2019. Collection method: clinical testing. Allele origin: germline.

Illumina Laboratory Services, Illumina
Classification: Uncertain significance for Joubert syndrome 9. Last evaluated: 2018-01-13. Review status: criteria provided, single submitter. Criteria: ICSL Variant Classification Criteria 13 December 2019. Collection method: clinical testing. Allele origin: germline.

Eurofins Ntd Llc (ga)
Classification: Uncertain significance. Last evaluated: 2016-11-04. Review status: criteria provided, single submitter. Criteria: EGL Classification Definitions 2015. Collection method: clinical testing. Allele origin: germline. Observed: 4 variant alleles, 4 heterozygotes.

NM_001378615.1(CC2D2A):c.1821T>C (p.Ile607=)

Genes: CC2D2A (coiled-coil and C2 domain containing 2A; plus strand), FBXL5 (F-box and leucine rich repeat protein 5; minus strand). Cytogenetic location: 4p15.32.
Variant type: single nucleotide variant.
Coding change: c.1821T>C on transcript NM_001378615.1 (MANE Select); coding-DNA position 1821, T replaced by C.
Protein change: p.Ile607=; no amino-acid change (isoleucine 607 retained).
Molecular consequence: synonymous variant.
Genome position (GRCh38, 1-based): chr4:15,537,955, T>C. VCF-style: chr4-15537955-T-C. GRCh37 (hg19) VCF-style: chr4-15539578-T-C.
Other names: c.1821T>C, p.Ile607= (NM_001080522.2); c.1674T>C, p.Ile558= (NM_001378617.1).
Identifiers: ClinVar variation 282794 (VCV000282794.45), dbSNP rs373296447, ClinGen allele CA2863778.
Genomic context (GRCh38, chr4:15,537,955, plus strand): 5'-ACAGAGGGCCAAGAAGAAGAAAAGGAAACAAGCAGCAGAAGAACATCCCGGTGATGAGAT[T>C]GCAGAGCCGTATCCCGAGGAGGACCTTGTGAAGCCCAGCCCTCCAGAGCCCACTGATCGG-3'
Protein context (NP_001365544.1, residues 597-617): QAAEEHPGDE[Ile607=]AEPYPEEDLV